The following is an entry in ClinVar:

ClinVar aggregate classification (germline): Likely benign (0 of 4 stars; one submission).

Conditions:
ICAM1-related disorder. Also called: ICAM1-related condition.

Allele frequency attached by ClinVar (database versions not stated): TOPMed 0.00002; gnomAD 0.00007; gnomAD exomes 0.00020; ExAC 0.00049; 1000 Genomes Project 30x 0.00078; 1000 Genomes Project 0.00080.
gnomAD v4.1: 294 of 1,614,230 alleles (0.018%); highest among the groups gnomAD compares: South Asian, 0.31%; 2 homozygotes.

Submission:

PreventionGenetics, part of Exact Sciences
Classification: Likely benign for ICAM1-related condition. Last evaluated: 2019-11-16. Review status: no assertion criteria provided. Collection method: clinical testing. Allele origin: germline.
Comment: This variant is classified as likely benign based on ACMG/AMP sequence variant interpretation guidelines (Richards et al. 2015 PMID: 25741868, with internal and published modifications).

NM_000201.3(ICAM1):c.162G>A (p.Gln54=)

Genes: ICAM1 (intercellular adhesion molecule 1; plus strand), LIMASI (lncRNA inflammatory and mucous response associated, antisense to ICAM1; minus strand). Cytogenetic location: 19p13.2.
Variant type: single nucleotide variant.
Coding change: c.162G>A on transcript NM_000201.3 (MANE Select); coding-DNA position 162, G replaced by A.
Protein change: p.Gln54=; no amino-acid change (glutamine 54 retained).
Molecular consequence: synonymous variant.
Genome position (GRCh38, 1-based): chr19:10,274,859, G>A. VCF-style: chr19-10274859-G-A. GRCh37 (hg19) VCF-style: chr19-10385535-G-A.
Identifiers: ClinVar variation 3048872 (VCV003048872.2), dbSNP rs548184831, ClinGen allele CA9189734.